The following is an entry in ClinVar:

NM_138961.3(ESAM):c.93G>T (p.Leu31=)

Gene: ESAM (endothelial cell adhesion molecule; minus strand). Cytogenetic location: 11q24.2.
Variant type: single nucleotide variant.
Coding change: c.93G>T on transcript NM_138961.3 (MANE Select); coding-DNA position 93, G replaced by T.
Protein change: p.Leu31=; no amino-acid change (leucine 31 retained).
Molecular consequence: synonymous variant.
Genome position (GRCh38, 1-based): chr11:124,758,505, C>A on the plus strand (G>T on the coding strand, the complement: ESAM is on the minus strand). VCF-style: chr11-124758505-C-A. GRCh37 (hg19) VCF-style: chr11-124628401-C-A.
Identifiers: ClinVar variation 3898119 (VCV003898119.8).

ClinVar aggregate classification (germline): Likely benign. Review status: criteria provided, multiple submitters, no conflicts (2 of 4 stars). 2 submissions from 2 submitters: Likely benign (2). Last evaluated 2025-04-01.

gnomAD v4.1: 5,109 of 1,587,602 alleles (0.32%); highest among the groups gnomAD compares: Non-Finnish European, 0.39%; 14 homozygotes.

Submissions (2):

CeGaT Center for Human Genetics Tuebingen
Classification: Likely benign. Last evaluated: 2025-04-01. Review status: criteria provided, single submitter. Criteria: CeGaT Center For Human Genetics Tuebingen Variant Classification Criteria Version 2. Collection method: clinical testing. Allele origin: germline. Affected: yes. Observed: 1 variant allele.
Comment: ESAM: BP4, BP7, BS2

Blueprint Genetics
Classification: Likely benign. Last evaluated: 2024-11-27. Review status: criteria provided, single submitter. Criteria: ACMG Guidelines, 2015. Collection method: clinical testing. Allele origin: germline.